The following is an entry in ClinVar:

NM_004415.4(DSP):c.2247A>C (p.Leu749=)

Gene: DSP (desmoplakin; plus strand). Cytogenetic location: 6p24.3.
Variant type: single nucleotide variant.
Coding change: c.2247A>C on transcript NM_004415.4 (MANE Select); coding-DNA position 2247, A replaced by C.
Protein change: p.Leu749=; no amino-acid change (leucine 749 retained).
Molecular consequence: synonymous variant.
Genome position (GRCh38, 1-based): chr6:7,574,202, A>C. VCF-style: chr6-7574202-A-C. GRCh37 (hg19) VCF-style: chr6-7574435-A-C.
Other names: c.2247A>C (NM_004415.2); c.2247A>C, p.Leu749= (NM_001008844.3, NM_001319034.2).
Identifiers: ClinVar variation 1602133 (VCV001602133.12), dbSNP rs28763963, ClinGen allele CA448526644.

ClinVar aggregate classification (germline): Likely benign. Review status: criteria provided, multiple submitters, no conflicts (2 of 4 stars). 4 submissions from 4 submitters: Likely benign (4). Last evaluated 2024-05-14.

Conditions:
Arrhythmogenic cardiomyopathy with wooly hair and keratoderma. Also called: Dilated cardiomyopathy with woolly hair and keratoderma; Arrhythmogenic cardiomyopathy with woolly hair and keratoderma; Carvajal syndrome; PALMOPLANTAR KERATODERMA WITH LEFT VENTRICULAR CARDIOMYOPATHY AND WOOLLY HAIR. Identifiers: Orphanet 65282, MedGen C1854063, MONDO:0011581, OMIM 605676.
Arrhythmogenic right ventricular dysplasia 8 (ARVD8). Also called: ARRHYTHMOGENIC RIGHT VENTRICULAR DYSPLASIA, FAMILIAL, 8; ARRHYTHMOGENIC RIGHT VENTRICULAR CARDIOMYOPATHY 8; Arrhythmogenic Right Ventricular Dysplasia/Cardiomyopathy 8. Identifiers: MedGen C1843896, MONDO:0011831, OMIM 607450.
Cardiovascular phenotype. Identifiers: MedGen CN230736.
Cardiomyopathy (CMYO). Also called: Cardiomyopathies. Identifiers: Orphanet 167848, MedGen C0878544, MONDO:0004994, HP:0001638. Inheritance: Various modes of inheritance.

gnomAD v4.1: 1 of 1,614,088 alleles (0.000062%); highest among the groups gnomAD compares: African/African-American, 0.0013%; no homozygotes.

Submissions (4):

All of Us Research Program, National Institutes of Health
Classification: Likely benign for Arrhythmogenic cardiomyopathy with wooly hair and keratoderma. Last evaluated: 2024-05-14. Review status: criteria provided, single submitter. Criteria: ACMG Guidelines, 2015. Collection method: clinical testing. Allele origin: germline. Inheritance: Autosomal dominant inheritance. Observed: 1 variant allele, 1 heterozygote.
Comment: This study involves interpretation of variants in research participants for the purpose of population health screening. Participant phenotype was not available at the time of variant classification. Additional details can be found in publication PMID: 35346344, PMCID: PMC8962531

Color Diagnostics, LLC DBA Color Health
Classification: Likely benign for Cardiomyopathy. Last evaluated: 2024-04-23. Review status: criteria provided, single submitter. Criteria: ACMG Guidelines, 2015. Collection method: clinical testing. Allele origin: germline.

Labcorp Genetics (formerly Invitae), Labcorp
Classification: Likely benign for Arrhythmogenic cardiomyopathy with wooly hair and keratoderma; Arrhythmogenic right ventricular dysplasia 8. Last evaluated: 2023-11-02. Review status: criteria provided, single submitter. Criteria: Invitae Variant Classification Sherloc (09022015). Collection method: clinical testing. Allele origin: germline.

Ambry Genetics
Classification: Likely benign for Cardiovascular phenotype. Last evaluated: 2023-01-16. Review status: criteria provided, single submitter. Criteria: Ambry Variant Classification Scheme 2023. Collection method: clinical testing. Allele origin: germline.